The following is an entry in ClinVar:

NM_001164508.2(NEB):c.9476T>C (p.Met3159Thr)

Gene: NEB (nebulin; minus strand). Cytogenetic location: 2q23.3.
Variant type: single nucleotide variant.
Coding change: c.9476T>C on transcript NM_001164508.2 (MANE Select); coding-DNA position 9476, T replaced by C.
Protein change: p.Met3159Thr; replaces methionine 3159 with threonine.
Molecular consequence: missense variant. On other transcripts: intron variant (1).
Genome position (GRCh38, 1-based): chr2:151,631,285, A>G on the plus strand (T>C on the coding strand, the complement: NEB is on the minus strand). VCF-style: chr2-151631285-A-G. GRCh37 (hg19) VCF-style: chr2-152487799-A-G.
Other names: c.9476T>C, p.Met3159Thr (NM_001164507.2, NM_001271208.2); c.8854-107T>C (NM_004543.5); short protein forms M3159T.
Identifiers: ClinVar variation 2153274 (VCV002153274.4), dbSNP rs762122276, ClinGen allele CA1909310.

ClinVar aggregate classification (germline): Uncertain significance (1 of 4 stars; one submission).

Conditions:
Nemaline myopathy 2 (NEM2). Also called: Nemaline myopathy 2, autosomal recessive. Identifiers: MedGen C1850569, MONDO:0009725, OMIM 256030.

Allele frequency attached by ClinVar (database versions not stated): gnomAD exomes below 0.00001; TOPMed below 0.00001; ExAC 0.00001.
gnomAD v4.1: 5 of 1,613,912 alleles (0.00031%); highest among the groups gnomAD compares: Non-Finnish European, 0.00042%; no homozygotes.

Submission:

Labcorp Genetics (formerly Invitae), Labcorp
Classification: Uncertain significance for Nemaline myopathy 2. Last evaluated: 2022-08-31. Review status: criteria provided, single submitter. Criteria: Invitae Variant Classification Sherloc (09022015). Collection method: clinical testing. Allele origin: germline.
Comment: In summary, the available evidence is currently insufficient to determine the role of this variant in disease. Therefore, it has been classified as a Variant of Uncertain Significance. Algorithms developed to predict the effect of missense changes on protein structure and function are either unavailable or do not agree on the potential impact of this missense change (SIFT: "Deleterious"; PolyPhen-2: "Not Available"; Align-GVGD: "Class C0"). This variant has not been reported in the literature in individuals affected with NEB-related conditions. This variant is present in population databases (rs762122276, gnomAD 0.0009%). This sequence change replaces methionine, which is neutral and non-polar, with threonine, which is neutral and polar, at codon 3159 of the NEB protein (p.Met3159Thr).